The following is an entry in ClinVar:

ClinVar aggregate classification (germline): Pathogenic/Likely pathogenic. Review status: criteria provided, multiple submitters, no conflicts (2 of 4 stars). 4 submissions from 4 submitters: Pathogenic (2); Likely pathogenic (1). 1 of the submissions does not count toward it. Last evaluated 2026-01-20.

Conditions:
Gnathodiaphyseal dysplasia (GDD). Also called: GNATHODIAPHYSEAL SCLEROSIS; OSTEOGENESIS IMPERFECTA WITH UNUSUAL SKELETAL LESIONS. Identifiers: Orphanet 53697, MedGen C1833736, MONDO:0008151, OMIM 166260.
Autosomal recessive limb-girdle muscular dystrophy type 2L (LGMDR12). Also called: Limb-girdle muscular dystrophy, type 2L; MUSCULAR DYSTROPHY, LIMB-GIRDLE, AUTOSOMAL RECESSIVE 12; Limb-Girdle Muscular Dystrophy R12 Anoctamin-5-Related (LGMD-R12). Identifiers: Orphanet 206549, MedGen C1969785, MONDO:0012652, OMIM 611307.
Elevated circulating creatine kinase activity. Also called: Elevated serum creatine phosphokinase; Elevated creatine kinase; Elevated circulating creatine kinase concentration. Identifiers: MedGen C0241005, HP:0003236.
Fatty replacement of skeletal muscle. Identifiers: MedGen C4021082, HP:0012548.
Distal muscle weakness. Identifiers: MedGen C0427065, HP:0002460.
Autosomal recessive limb-girdle muscular dystrophy. Identifiers: Orphanet 102015, MedGen C2931907, MONDO:0015152.
Miyoshi muscular dystrophy 3 (MMD3). Also called: Miyoshi myopathy 3; Miyoshi Muscular Dystrophy 3 (MMD3). Identifiers: Orphanet 399096, MedGen C2750076, MONDO:0013222, OMIM 613319.

Allele frequency attached by ClinVar (database versions not stated): TOPMed below 0.00001; ExAC 0.00001; gnomAD 0.00001.
gnomAD v4.1: 4 of 1,614,000 alleles (0.00025%); highest among the groups gnomAD compares: Middle Eastern, 0.016%; no homozygotes.

Submissions (4):

Women's Health and Genetics/Laboratory Corporation of America, LabCorp
Classification: Pathogenic for Autosomal recessive limb-girdle muscular dystrophy. Last evaluated: 2026-01-20. Review status: criteria provided, single submitter. Criteria: LabCorp Variant Classification Summary - May 2015. Collection method: clinical testing. Allele origin: germline.
Comment: Variant summary: ANO5 c.1965G>C (p.Trp655Cys) results in a non-conservative amino acid change in the encoded protein sequence. Algorithms developed to predict the effect of missense changes on protein structure and function all suggest that this variant is likely to be disruptive. The variant allele was found at a frequency of 8e-06 in 251458 control chromosomes (gnomAD). c.1965G>C has been observed in individuals affected with features of Limb-Girdle Muscular Dystrophy, Autosomal Recessive. These data indicate that the variant is likely to be associated with disease. A different variant affecting the same codon has been classified as likely pathogenic by our lab (c.1963T>C, p.Trp655Arg), supporting the critical relevance of codon 655 to ANO5 protein function. The following publications have been ascertained in the context of this evaluation (PMID: 22499103, 27447704, 34106991). ClinVar contains an entry for this variant (Variation ID: 523571). Based on the evidence outlined above, the variant was classified as pathogenic.

Kariminejad - Najmabadi Pathology & Genetics Center
Classification: Likely pathogenic for Miyoshi muscular dystrophy 3; Autosomal recessive limb-girdle muscular dystrophy type 2L. Last evaluated: 2024-03-14. Review status: criteria provided, single submitter. Criteria: ACMG Guidelines, 2015. Collection method: clinical testing. Allele origin: germline. Inheritance: Autosomal recessive inheritance. Affected: yes.
Comment: PM2- PM5- PP5- PP3- PP2

Labcorp Genetics (formerly Invitae), Labcorp
Classification: Pathogenic for Autosomal recessive limb-girdle muscular dystrophy type 2L; Gnathodiaphyseal dysplasia. Last evaluated: 2022-06-20. Review status: criteria provided, single submitter. Criteria: Invitae Variant Classification Sherloc (09022015). Collection method: clinical testing. Allele origin: germline.
Comment: For these reasons, this variant has been classified as Pathogenic. This variant disrupts the p.Trp655 amino acid residue in ANO5. Other variant(s) that disrupt this residue have been determined to be pathogenic (PMID: 30919934; Invitae). This suggests that this residue is clinically significant, and that variants that disrupt this residue are likely to be disease-causing. Advanced modeling of protein sequence and biophysical properties (such as structural, functional, and spatial information, amino acid conservation, physicochemical variation, residue mobility, and thermodynamic stability) performed at Invitae indicates that this missense variant is expected to disrupt ANO5 protein function. ClinVar contains an entry for this variant (Variation ID: 523571). This missense change has been observed in individuals with autosomal recessive ANO5-related conditions (PMID: 22499103, 27447704). This variant is present in population databases (rs760137559, gnomAD 0.006%). This sequence change replaces tryptophan, which is neutral and slightly polar, with cysteine, which is neutral and slightly polar, at codon 655 of the ANO5 protein (p.Trp655Cys).

Centre for Mendelian Genomics, University Medical Centre Ljubljana
Classification: Uncertain significance for Distal muscle weakness; Elevated circulating creatine kinase activity; Fatty replacement of skeletal muscle. Last evaluated: 2017-01-01. Review status: flagged submission. Criteria: ACMG Guidelines, 2015. Collection method: clinical testing. Allele origin: unknown. Affected: yes. Not counted in ClinVar's aggregate classification.
ClinVar note: Reason: Older claim that does not account for recent evidence

Literature cited by the submitters: PubMed 34106991 (cited by Women's Health and Genetics/Laboratory Corporation of America, LabCorp); PubMed 22499103 (cited by Women's Health and Genetics/Laboratory Corporation of America, LabCorp and Labcorp Genetics (formerly Invitae), Labcorp); PubMed 27447704 (cited by Women's Health and Genetics/Laboratory Corporation of America, LabCorp and Labcorp Genetics (formerly Invitae), Labcorp); PubMed 30919934 (cited by Labcorp Genetics (formerly Invitae), Labcorp).

NM_213599.3(ANO5):c.1965G>C (p.Trp655Cys)

Gene: ANO5 (anoctamin 5; plus strand). Cytogenetic location: 11p14.3.
Variant type: single nucleotide variant.
Coding change: c.1965G>C on transcript NM_213599.3 (MANE Select); coding-DNA position 1965, G replaced by C.
Protein change: p.Trp655Cys; replaces tryptophan 655 with cysteine.
Molecular consequence: missense variant.
Genome position (GRCh38, 1-based): chr11:22,270,378, G>C. VCF-style: chr11-22270378-G-C. GRCh37 (hg19) VCF-style: chr11-22291924-G-C.
Other names: c.1962G>C, p.Trp654Cys (NM_001142649.2); short protein forms W655C, W654C.
Identifiers: ClinVar variation 523571 (VCV000523571.10), dbSNP rs760137559, ClinGen allele CA5923415.